The following is an entry in ClinVar:

ClinVar aggregate classification (germline): Uncertain significance (1 of 4 stars; one submission).

Conditions:
Deficiency of butyryl-CoA dehydrogenase (ACADSD). Also called: ACYL-CoA DEHYDROGENASE, SHORT-CHAIN, DEFICIENCY OF; SCADH DEFICIENCY; ACADS DEFICIENCY; Short-Chain Acyl-CoA Dehydrogenase Deficiency; SCAD DEFICIENCY, MILD; SCAD Deficiency. Identifiers: Orphanet 26792, MedGen C0342783, MONDO:0008722, OMIM 201470. Disease mechanism: May be benign.

Allele frequency attached by ClinVar (database versions not stated): gnomAD exomes below 0.00001; ExAC 0.00003.

Submission:

Labcorp Genetics (formerly Invitae), Labcorp
Classification: Uncertain significance for Deficiency of butyryl-CoA dehydrogenase. Last evaluated: 2022-11-28. Review status: criteria provided, single submitter. Criteria: Invitae Variant Classification Sherloc (09022015). Collection method: clinical testing. Allele origin: germline.
Comment: This variant has not been reported in the literature in individuals affected with ACADS-related conditions. Advanced modeling of protein sequence and biophysical properties (such as structural, functional, and spatial information, amino acid conservation, physicochemical variation, residue mobility, and thermodynamic stability) performed at Invitae indicates that this missense variant is expected to disrupt ACADS protein function. This variant is present in population databases (rs769743719, gnomAD 0.002%). This sequence change replaces isoleucine, which is neutral and non-polar, with valine, which is neutral and non-polar, at codon 100 of the ACADS protein (p.Ile100Val). In summary, the available evidence is currently insufficient to determine the role of this variant in disease. Therefore, it has been classified as a Variant of Uncertain Significance.

NM_000017.4(ACADS):c.298A>G (p.Ile100Val)

Gene: ACADS (acyl-CoA dehydrogenase short chain; plus strand). Cytogenetic location: 12q24.31.
Variant type: single nucleotide variant.
Coding change: c.298A>G on transcript NM_000017.4 (MANE Select); coding-DNA position 298, A replaced by G.
Protein change: p.Ile100Val; replaces isoleucine 100 with valine.
Molecular consequence: missense variant.
Genome position (GRCh38, 1-based): chr12:120,737,073, A>G. VCF-style: chr12-120737073-A-G. GRCh37 (hg19) VCF-style: chr12-121174876-A-G.
Other names: c.298A>G, p.Ile100Val (NM_001302554.2); short protein forms I100V.
Identifiers: ClinVar variation 1915183 (VCV001915183.4), dbSNP rs769743719, ClinGen allele CA6830817.